The following is an entry in ClinVar:

NC_000005.9:g.(?_61653944)_(61681396_?)dup

Gene: KIF2A (kinesin family member 2A; plus strand). Cytogenetic location: 5q12.1.
Variant type: Duplication.
Identifiers: ClinVar variation 2423688 (VCV002423688.4).

ClinVar aggregate classification (germline): Uncertain significance (1 of 4 stars; one submission).

Submission:

Labcorp Genetics (formerly Invitae), Labcorp
Classification: Uncertain significance. Last evaluated: 2022-06-25. Review status: criteria provided, single submitter. Criteria: Invitae Variant Classification Sherloc (09022015). Collection method: clinical testing. Allele origin: germline.
Comment: This variant has not been reported in the literature in individuals affected with KIF2A-related conditions. In summary, the available evidence is currently insufficient to determine the role of this variant in disease. Therefore, it has been classified as a Variant of Uncertain Significance. Experimental studies and prediction algorithms are not available or were not evaluated, and the functional significance of this variant is currently unknown. This variant results in a copy number gain of the genomic region encompassing exon(s) 9-21 of the KIF2A gene. This region includes the termination codon of the gene. This copy number gain extends beyond the assayed region for this gene and therefore may encompass additional genes. As the precise location of this event is unknown, it may be in tandem or it may be located elsewhere in the genome.